The following is an entry in ClinVar:

NM_000051.4(ATM):c.3311_3312del (p.Ser1104fs)

Gene: ATM (ATM serine/threonine kinase; plus strand). Cytogenetic location: 11q22.3.
Variant type: Deletion.
Coding change: c.3311_3312del on transcript NM_000051.4 (MANE Select); coding-DNA positions 3311 to 3312, 2 bases deleted (CT; older notation c.3311_3312delCT).
Protein change: p.Ser1104fs; shifts the reading frame from serine 1104.
Molecular consequence: frameshift variant.
Genome position (GRCh38, 1-based): chr11:108,279,517-108,279,518, CT deleted; deleting any 2 consecutive bases within chr11:108,279,516-108,279,518 gives the same sequence; the c. name uses the placement nearest the transcript's 3' end. VCF-style (leftmost placement, unchanged base first): chr11-108279515-TTC-T. GRCh37 (hg19) VCF-style: chr11-108150242-TTC-T.
Other names: c.3311_3312del, p.Ser1104fs (NM_001351834.2); short protein forms S1104fs.
Identifiers: ClinVar variation 3966703 (VCV003966703.1).

ClinVar aggregate classification (germline): Pathogenic (1 of 4 stars; one submission).

Conditions:
Hereditary cancer-predisposing syndrome. Also called: Tumor predisposition; Hereditary neoplastic syndrome; Hereditary Cancer Syndrome; Neoplastic Syndromes, Hereditary. Identifiers: Orphanet 140162, MedGen C0027672, MeSH D009386, MONDO:0015356.

Submission:

Ambry Genetics
Classification: Pathogenic for Hereditary cancer-predisposing syndrome. Last evaluated: 2025-05-12. Review status: criteria provided, single submitter. Criteria: Ambry Variant Classification Scheme 2023. Collection method: clinical testing. Allele origin: germline.
Comment: The c.3311_3312delCT pathogenic mutation, located in coding exon 22 of the ATM gene, results from a deletion of two nucleotides at nucleotide positions 3311 to 3312, causing a translational frameshift with a predicted alternate stop codon (p.S1104Ffs*17). This alteration is expected to result in loss of function by premature protein truncation or nonsense-mediated mRNA decay. As such, this alteration is interpreted as a disease-causing mutation.